The following is an entry in ClinVar:

ClinVar aggregate classification (germline): Uncertain significance (1 of 4 stars; one submission).

Conditions:
Facioscapulohumeral muscular dystrophy 2 (FSHD2). Also called: FACIOSCAPULOHUMERAL MUSCULAR DYSTROPHY 2, DIGENIC; FSHD2, DIGENIC; MUSCULAR DYSTROPHY, FACIOSCAPULOHUMERAL, TYPE 1B. Identifiers: Orphanet 269, MedGen C1834671, MONDO:0008031, OMIM 158901.

Allele frequency attached by ClinVar (database versions not stated): gnomAD exomes 0.00002; ExAC 0.00008.

Submission:

Labcorp Genetics (formerly Invitae), Labcorp
Classification: Uncertain significance for Facioscapulohumeral muscular dystrophy 2. Last evaluated: 2025-10-23. Review status: criteria provided, single submitter. Criteria: Invitae Variant Classification Sherloc (09022015). Collection method: clinical testing. Allele origin: germline.
Comment: This sequence change replaces leucine, which is neutral and non-polar, with valine, which is neutral and non-polar, at codon 1600 of the SMCHD1 protein (p.Leu1600Val). This variant is present in population databases (rs769207224, gnomAD 0.02%). This variant has not been reported in the literature in individuals affected with SMCHD1-related conditions. ClinVar contains an entry for this variant (Variation ID: 1000322). Invitae Evidence Modeling of protein sequence and biophysical properties (such as structural, functional, and spatial information, amino acid conservation, physicochemical variation, residue mobility, and thermodynamic stability) indicates that this missense variant is not expected to disrupt SMCHD1 protein function with a negative predictive value of 80%. In summary, the available evidence is currently insufficient to determine the role of this variant in disease. Therefore, it has been classified as a Variant of Uncertain Significance.

NM_015295.3(SMCHD1):c.4798T>G (p.Leu1600Val)

Gene: SMCHD1 (structural maintenance of chromosomes flexible hinge domain containing 1; plus strand). Cytogenetic location: 18p11.32.
Variant type: single nucleotide variant.
Coding change: c.4798T>G on transcript NM_015295.3 (MANE Select); coding-DNA position 4798, T replaced by G.
Protein change: p.Leu1600Val; replaces leucine 1600 with valine.
Molecular consequence: missense variant.
Genome position (GRCh38, 1-based): chr18:2,769,772, T>G. VCF-style: chr18-2769772-T-G. GRCh37 (hg19) VCF-style: chr18-2769770-T-G.
Other names: short protein forms L1600V.
Identifiers: ClinVar variation 1000322 (VCV001000322.8), dbSNP rs769207224, ClinGen allele CA8871574.